The following is an entry in ClinVar:

ClinVar aggregate classification (germline): Uncertain significance (1 of 4 stars; one submission).

Submission:

GeneDx
Classification: Uncertain significance. Last evaluated: 2021-04-12. Review status: criteria provided, single submitter. Criteria: GeneDx Variant Classification Process June 2021. Collection method: clinical testing. Allele origin: germline. Affected: yes.
Comment: Not observed in large population cohorts (Lek et al., 2016); In-frame deletion of three amino acids.; In silico analysis supports that this missense variant does not alter protein structure/function; Has not been previously published as pathogenic or benign to our knowledge

NM_001244008.2(KIF1A):c.2754_2762del (p.Asp918_Glu920del)

Gene: KIF1A (kinesin family member 1A; minus strand). Cytogenetic location: 2q37.3.
Variant type: Deletion.
Coding change: c.2754_2762del on transcript NM_001244008.2 (MANE Select); coding-DNA positions 2754 to 2762, 9 bases deleted (TGAGGAGGA; older notation c.2754_2762delTGAGGAGGA).
Protein change: p.Asp918_Glu920del.
Molecular consequence: inframe deletion. On other transcripts: intron variant (18).
Genome position (GRCh38, 1-based): chr2:240,757,415-240,757,423, TCCTCCTCA deleted on the plus strand (TGAGGAGGA on the coding strand, the reverse complement: KIF1A is on the minus strand); deleting any 9 consecutive bases within chr2:240,757,415-240,757,431 gives the same sequence; the c. name uses the placement nearest the transcript's 3' end. VCF-style (leftmost placement, unchanged base first): chr2-240757414-CTCCTCCTCA-C. GRCh37 (hg19) VCF-style: chr2-241696831-CTCCTCCTCA-C.
Other names: c.2829_2837del, p.Asp943_Glu945del (NM_001379631.1); c.2555+937_2555+945del (NM_001379651.1, NM_001379653.1, NM_001379650.1 and 6 more transcripts); c.2703_2711del, p.Asp901_Glu903del (NM_001379632.1); c.2727_2735del, p.Asp909_Glu911del (NM_001379633.1, NM_001379642.1, NM_001379645.1); c.2657+937_2657+945del (NM_001379635.1, NM_001330290.2, NM_001379646.1 and 1 more transcripts); c.2630+937_2630+945del (NM_001379637.1, NM_001379648.1); c.2582+937_2582+945del (NM_001320705.2, NM_001379638.1, NM_001330289.2).
Identifiers: ClinVar variation 1300773 (VCV001300773.2), dbSNP rs1370485087, ClinGen allele CA540752722.